The following is an entry in ClinVar:

NM_000059.4(BRCA2):c.19G>C (p.Glu7Gln)

Gene: BRCA2 (BRCA2 DNA repair associated; plus strand). Cytogenetic location: 13q13.1.
Variant type: single nucleotide variant.
Coding change: c.19G>C on transcript NM_000059.4 (MANE Select); coding-DNA position 19, G replaced by C.
Protein change: p.Glu7Gln; replaces glutamic acid 7 with glutamine.
Molecular consequence: missense variant. On other transcripts: non-coding transcript variant (1), intron variant (1).
Genome position (GRCh38, 1-based): chr13:32,316,479, G>C. VCF-style: chr13-32316479-G-C. GRCh37 (hg19) VCF-style: chr13-32890616-G-C.
Other names: c.19G>C, p.Glu7Gln (NM_001406719.1, NM_001406720.1, NM_001406721.1 and 1 more transcripts); c.-303+812G>C (NM_001406722.1); short protein forms E7Q.
Identifiers: ClinVar variation 4879473 (VCV004879473.1).
Genomic context (GRCh38, chr13:32,316,479, plus strand): 5'-CAGACTTATTTACCAAGCATTGGAGGAATATCGTAGGTAAAAATGCCTATTGGATCCAAA[G>C]AGAGGCCAACATTTTTTGAAATTTTTAAGACACGCTGCAACAAAGCAGGTATTGACAAAT-3'
Protein context (NP_000050.3, residues 1-17): MPIGSK[Glu7Gln]RPTFFEIFKT

ClinVar aggregate classification (germline): Uncertain significance (1 of 4 stars; one submission).

Conditions:
Hereditary breast ovarian cancer syndrome. Also called: Hereditary breast and ovarian cancer; Hereditary breast and ovarian cancer syndrome (HBOC); Breast and ovarian cancer; BRCA1- and BRCA2-Associated Hereditary Breast and Ovarian Cancer; Hereditary breast and/or ovarian cancer syndrome; Hereditary breast and ovarian cancer syndrome. Identifiers: Orphanet 145, MedGen C0677776, MeSH D061325, MONDO:0003582. Disease mechanism: loss of function.

Submission:

Institute for Biomarker Research, Medical Diagnostic Laboratories, L.L.C.
Classification: Uncertain significance for Hereditary breast ovarian cancer syndrome. Last evaluated: 2026-03-09. Review status: criteria provided, single submitter. Criteria: ACMG Guidelines, 2015. Collection method: clinical testing. Allele origin: germline.
Comment: The missense variant NM_000059.3(BRCA2):c.19G>C (p.Glu7Gln) is not currently classified as pathogenic or benign in clinical sources. The p.Glu7Gln variant is novel (not in any individuals) in gnomAD v4 All. All. There is a small physicochemical difference between glutamic acid and glutamine, which is not likely to impact secondary protein structure as these residues share similar properties. The glutamine residue at codon 7 of BRCA2 is present in Big brown bat and 1 other mammalian species. The nucleotide c.19 in BRCA2 is not conserved according to a GERP++ and PhyloP analysis of 100 vertebrates. For these reasons, this variant has been classified as Uncertain Significance.